The following is an entry in ClinVar:

ClinVar aggregate classification (germline): Uncertain significance (1 of 4 stars; one submission).

Submission:

GeneDx
Classification: Uncertain significance. Last evaluated: 2024-11-19. Review status: criteria provided, single submitter. Criteria: GeneDx Variant Classification Process June 2021. Collection method: clinical testing. Allele origin: germline. Affected: yes.
Comment: Not observed at significant frequency in large population cohorts (gnomAD); In silico analysis supports that this missense variant has a deleterious effect on protein structure/function; Has not been previously published as pathogenic or benign to our knowledge

NM_018238.4(AGK):c.149G>T (p.Gly50Val)

Gene: AGK (acylglycerol kinase; plus strand). Cytogenetic location: 7q34.
Variant type: single nucleotide variant.
Coding change: c.149G>T on transcript NM_018238.4 (MANE Select); coding-DNA position 149, G replaced by T.
Protein change: p.Gly50Val; replaces glycine 50 with valine.
Molecular consequence: missense variant.
Genome position (GRCh38, 1-based): chr7:141,596,569, G>T. VCF-style: chr7-141596569-G-T. GRCh37 (hg19) VCF-style: chr7-141296369-G-T.
Other names: c.149G>T, p.Gly50Val (NM_001364948.3); short protein forms G50V.
Identifiers: ClinVar variation 3899750 (VCV003899750.1).